The following is an entry in ClinVar:

ClinVar aggregate classification (germline): Uncertain significance. Review status: criteria provided, multiple submitters, no conflicts (2 of 4 stars). 5 submissions from 5 submitters: Uncertain significance (4). 1 of the submissions does not count toward it. Last evaluated 2023-02-08.

Conditions:
Inborn genetic diseases. Identifiers: MedGen C0950123, MeSH D030342.
Autosomal recessive limb-girdle muscular dystrophy type 2D (LGMDR3). Also called: ADHALINOPATHY, PRIMARY; DUCHENNE-LIKE AUTOSOMAL RECESSIVE MUSCULAR DYSTROPHY, TYPE 2; MUSCULAR DYSTROPHY, LIMB-GIRDLE, AUTOSOMAL RECESSIVE 3. Identifiers: Orphanet 62, MedGen C2936332, MONDO:0011968, OMIM 608099. Disease mechanism: Affects gamma-sarcoglycan and also disrupts the integrity of the entire sarcoglycan complex..

Allele frequency attached by ClinVar (database versions not stated): TOPMed 0.00002; 1000 Genomes Project 30x 0.00016; 1000 Genomes Project 0.00020; gnomAD exomes 0.00006; ExAC 0.00004; gnomAD 0.00005.
gnomAD v4.1: 68 of 1,565,260 alleles (0.0043%); highest among the groups gnomAD compares: East Asian, 0.064%; 1 homozygote.

Submissions (5):

Genome-Nilou Lab
Classification: Uncertain significance for Autosomal recessive limb-girdle muscular dystrophy type 2D. Last evaluated: 2023-02-08. Review status: criteria provided, single submitter. Criteria: ACMG Guidelines, 2015. Collection method: clinical testing. Allele origin: germline.

Labcorp Genetics (formerly Invitae), Labcorp
Classification: Uncertain significance for Autosomal recessive limb-girdle muscular dystrophy type 2D. Last evaluated: 2022-06-29. Review status: criteria provided, single submitter. Criteria: Invitae Variant Classification Sherloc (09022015). Collection method: clinical testing. Allele origin: germline.
Comment: This sequence change replaces arginine, which is basic and polar, with glutamine, which is neutral and polar, at codon 192 of the SGCA protein (p.Arg192Gln). The frequency data for this variant in the population databases is considered unreliable, as metrics indicate poor data quality at this position in the gnomAD database. This variant has not been reported in the literature in individuals affected with SGCA-related conditions. ClinVar contains an entry for this variant (Variation ID: 657124). Advanced modeling of protein sequence and biophysical properties (such as structural, functional, and spatial information, amino acid conservation, physicochemical variation, residue mobility, and thermodynamic stability) performed at Invitae indicates that this missense variant is not expected to disrupt SGCA protein function. In summary, the available evidence is currently insufficient to determine the role of this variant in disease. Therefore, it has been classified as a Variant of Uncertain Significance.

Athena Diagnostics
Classification: Uncertain significance. Last evaluated: 2021-12-20. Review status: criteria provided, single submitter. Criteria: Athena Diagnostics Criteria. Collection method: clinical testing. Allele origin: unknown.

Ambry Genetics
Classification: Uncertain significance for Inborn genetic diseases. Last evaluated: 2021-07-20. Review status: criteria provided, single submitter. Criteria: Ambry Variant Classification Scheme 2023. Collection method: clinical testing. Allele origin: germline.

Natera, Inc.
Classification: Uncertain significance for Limb-girdle muscular dystrophy type 2D. Last evaluated: 2020-02-21. Review status: no assertion criteria provided. Collection method: clinical testing. Allele origin: germline. Not counted in ClinVar's aggregate classification.

NM_000023.4(SGCA):c.575G>A (p.Arg192Gln)

Gene: SGCA (sarcoglycan alpha; plus strand). Cytogenetic location: 17q21.33.
Variant type: single nucleotide variant.
Coding change: c.575G>A on transcript NM_000023.4 (MANE Select); coding-DNA position 575, G replaced by A.
Protein change: p.Arg192Gln; replaces arginine 192 with glutamine.
Molecular consequence: missense variant. On other transcripts: non-coding transcript variant (1).
Genome position (GRCh38, 1-based): chr17:50,168,563, G>A. VCF-style: chr17-50168563-G-A. GRCh37 (hg19) VCF-style: chr17-48245924-G-A.
Other names: c.575G>A, p.Arg192Gln (NM_001135697.3); c.575G>A (NM_000023.3); short protein forms R192Q.
Identifiers: ClinVar variation 657124 (VCV000657124.8), dbSNP rs200945974, ClinGen allele CA8643831.